The following is an entry in ClinVar:

ClinVar aggregate classification (germline): Uncertain significance (1 of 4 stars; one submission).

gnomAD v4.1: 4 of 1,315,336 alleles (0.0003%); highest among the groups gnomAD compares: Non-Finnish European, 0.00039%; no homozygotes.

Submission:

Ambry Genetics
Classification: Uncertain significance. Last evaluated: 2025-06-16. Review status: criteria provided, single submitter. Criteria: Ambry Variant Classification Scheme 2023. Collection method: clinical testing. Allele origin: germline.
Comment: The p.P54S variant (also known as c.160C>T), located in coding exon 1 of the WNK2 gene, results from a C to T substitution at nucleotide position 160. The proline at codon 54 is replaced by serine, an amino acid with similar properties. This amino acid position is conserved. In addition, this alteration is predicted to be tolerated by in silico analysis. Based on the available evidence, the clinical significance of this variant remains unclear.

NM_006648.4(WNK2):c.160C>T (p.Pro54Ser)

Gene: WNK2 (WNK lysine deficient protein kinase 2; plus strand). Cytogenetic location: 9q22.31.
Variant type: single nucleotide variant.
Coding change: c.160C>T on transcript NM_006648.4 (MANE Select); coding-DNA position 160, C replaced by T.
Protein change: p.Pro54Ser; replaces proline 54 with serine.
Molecular consequence: missense variant.
Genome position (GRCh38, 1-based): chr9:93,185,089, C>T. VCF-style: chr9-93185089-C-T. GRCh37 (hg19) VCF-style: chr9-95947371-C-T.
Other names: c.160C>T, p.Pro54Ser (NM_001282394.3); short protein forms P54S.
Identifiers: ClinVar variation 4201510 (VCV004201510.1).
Genomic context (GRCh38, chr9:93,185,089, plus strand): 5'-GCGCGGCCGGGGCCCCAGCGCTTTCTGCGGCGCAGCGTGGTAGAGTCGGACCAGGAGGAG[C>T]CGCCGGGCTTGGAGGCAGCCGAGGCGCCGGGCCCGCAGCCCCCGCAGCCCCTGCAGCGCC-3'
Protein context (NP_006639.3, residues 44-64): RSVVESDQEE[Pro54Ser]PGLEAAEAPG